The following is an entry in ClinVar:

NM_005903.7(SMAD5):c.1289C>T (p.Thr430Ile)

Gene: SMAD5 (SMAD family member 5; plus strand). Cytogenetic location: 5q31.1.
Variant type: single nucleotide variant.
Coding change: c.1289C>T on transcript NM_005903.7 (MANE Select); coding-DNA position 1289, C replaced by T.
Protein change: p.Thr430Ile; replaces threonine 430 with isoleucine.
Molecular consequence: missense variant.
Genome position (GRCh38, 1-based): chr5:136,177,371, C>T. VCF-style: chr5-136177371-C-T. GRCh37 (hg19) VCF-style: chr5-135513060-C-T.
Other names: c.1289C>T, p.Thr430Ile (NM_001001419.3, NM_001001420.3); short protein forms T430I.
Identifiers: ClinVar variation 4076947 (VCV004076947.1).
Genomic context (GRCh38, chr5:136,177,371, plus strand): 5'-GTGATGATATCTGTTCATTTTCATAGGGTTGGGGAGCAGAATATCACCGGCAGGATGTAA[C>T]CAGCACCCCATGTTGGATTGAGATTCATCTTCATGGGCCTCTTCAGTGGCTGGATAAAGT-3'
Protein context (NP_005894.3, residues 420-440): WGAEYHRQDV[Thr430Ile]STPCWIEIHL

ClinVar aggregate classification (germline): Uncertain significance (1 of 4 stars; one submission).

Conditions:
Congenital heart disease (CHD). Identifiers: MedGen C0152021, MONDO:0005453. Disease mechanism: unknown.

Submission:

Embryology Laboratory, Victor Chang Cardiac Research Institute
Classification: Uncertain significance for Congenital heart disease. Last evaluated: 2025-07-01. Review status: criteria provided, single submitter. Criteria: ACMG Guidelines, 2015. Collection method: research. Allele origin: de novo. Inheritance: Sporadic. Affected: yes. Observed: 1 variant allele.
Comment: The c.1289C>T (p.T430I) variant occurs de novo within SMAD5 MH2 domain and is absent from the gnomAD database. The change from Threonine to Isoleucine is predicted to impact SMAD5 oligomerization. Model of the variant in zebrafish (p.T429I) results in severe dorsalization and lethality due to dominant negative activity (PMID 10207140). At time of submission, SMAD5 variants are not associated with congenital defects, therefore the clinical significance of this variant cannot be assessed.

Literature cited by the submitters: PubMed 10207140.